The following is an entry in ClinVar:

NM_001270.4(CHD1):c.4294G>C (p.Asp1432His)

Gene: CHD1 (chromodomain helicase DNA binding protein 1; minus strand). Cytogenetic location: 5q15.
Variant type: single nucleotide variant.
Coding change: c.4294G>C on transcript NM_001270.4 (MANE Select); coding-DNA position 4294, G replaced by C.
Protein change: p.Asp1432His; replaces aspartic acid 1432 with histidine.
Molecular consequence: missense variant. On other transcripts: non-coding transcript variant (1).
Genome position (GRCh38, 1-based): chr5:98,863,541, C>G on the plus strand (G>C on the coding strand, the complement: CHD1 is on the minus strand). VCF-style: chr5-98863541-C-G. GRCh37 (hg19) VCF-style: chr5-98199245-C-G.
Other names: c.4558G>C, p.Asp1520His (NM_001364113.3); c.4294G>C, p.Asp1432His (NM_001376194.2); short protein forms D1432H, D1520H.
Identifiers: ClinVar variation 2662154 (VCV002662154.1), dbSNP rs1748635660, ClinGen allele CA360519506.

ClinVar aggregate classification (germline): Uncertain significance (1 of 4 stars; one submission).

Allele frequency attached by ClinVar (database versions not stated): TOPMed below 0.00001; gnomAD 0.00001.
gnomAD v4.1: 1 of 1,608,826 alleles (0.000062%); highest among the groups gnomAD compares: Non-Finnish European, 0.000085%; no homozygotes.

Submission:

GeneDx
Classification: Uncertain significance. Last evaluated: 2023-04-16. Review status: criteria provided, single submitter. Criteria: GeneDx Variant Classification Process June 2021. Collection method: clinical testing. Allele origin: germline. Affected: yes.
Comment: Not observed at significant frequency in large population cohorts (gnomAD); In silico analysis supports that this missense variant has a deleterious effect on protein structure/function; Has not been previously published as pathogenic or benign to our knowledge